The following is an entry in ClinVar:

NM_002529.4(NTRK1):c.809A>G (p.Asp270Gly)

Gene: NTRK1 (neurotrophic receptor tyrosine kinase 1; plus strand). Cytogenetic location: 1q23.1.
Variant type: single nucleotide variant.
Coding change: c.809A>G on transcript NM_002529.4 (MANE Select); coding-DNA position 809, A replaced by G.
Protein change: p.Asp270Gly; replaces aspartic acid 270 with glycine.
Molecular consequence: missense variant.
Genome position (GRCh38, 1-based): chr1:156,871,714, A>G. VCF-style: chr1-156871714-A-G. GRCh37 (hg19) VCF-style: chr1-156841506-A-G.
Other names: c.719A>G, p.Asp240Gly (NM_001007792.1); c.809A>G, p.Asp270Gly (NM_001012331.2); c.809A>G (NM_001012331.1); short protein forms D240G, D270G.
Identifiers: ClinVar variation 1387529 (VCV001387529.7), dbSNP rs2102900281, ClinGen allele CA342935208.

ClinVar aggregate classification (germline): Uncertain significance. Review status: criteria provided, multiple submitters, no conflicts (2 of 4 stars). 2 submissions from 2 submitters: Uncertain significance (2). Last evaluated 2025-08-12.

Conditions:
Inborn genetic diseases. Identifiers: MedGen C0950123, MeSH D030342.
Hereditary insensitivity to pain with anhidrosis (CIPA). Also called: INSENSITIVITY TO PAIN, CONGENITAL, WITH ANHIDROSIS; hereditary sensory and autonomic neuropathy type 4; HSAN Type IV; NEUROPATHY, CONGENITAL SENSORY, WITH ANHIDROSIS; NTRK1 Congenital Insensitivity to Pain with Anhidrosis; FAMILIAL DYSAUTONOMIA, TYPE II. Identifiers: Orphanet 642, MedGen C0020074, MONDO:0009746, OMIM 256800.

Submissions (2):

Ambry Genetics
Classification: Uncertain significance for Inborn genetic diseases. Last evaluated: 2025-08-12. Review status: criteria provided, single submitter. Criteria: Ambry Variant Classification Scheme 2023. Collection method: clinical testing. Allele origin: germline.

Labcorp Genetics (formerly Invitae), Labcorp
Classification: Uncertain significance for Hereditary insensitivity to pain with anhidrosis. Last evaluated: 2021-11-10. Review status: criteria provided, single submitter. Criteria: Invitae Variant Classification Sherloc (09022015). Collection method: clinical testing. Allele origin: germline.
Comment: This sequence change replaces aspartic acid, which is acidic and polar, with glycine, which is neutral and non-polar, at codon 270 of the NTRK1 protein (p.Asp270Gly). This variant is not present in population databases (gnomAD no frequency). This variant has not been reported in the literature in individuals affected with NTRK1-related conditions. Advanced modeling of protein sequence and biophysical properties (such as structural, functional, and spatial information, amino acid conservation, physicochemical variation, residue mobility, and thermodynamic stability) performed at Invitae indicates that this missense variant is not expected to disrupt NTRK1 protein function. Algorithms developed to predict the effect of sequence changes on RNA splicing suggest that this variant may create or strengthen a splice site. In summary, the available evidence is currently insufficient to determine the role of this variant in disease. Therefore, it has been classified as a Variant of Uncertain Significance.